The following is an entry in ClinVar:

NM_001035.3(RYR2):c.4388G>A (p.Arg1463His)

Gene: RYR2 (ryanodine receptor 2; plus strand). Cytogenetic location: 1q43.
Variant type: single nucleotide variant.
Coding change: c.4388G>A on transcript NM_001035.3 (MANE Select); coding-DNA position 4388, G replaced by A.
Protein change: p.Arg1463His; replaces arginine 1463 with histidine.
Molecular consequence: missense variant.
Genome position (GRCh38, 1-based): chr1:237,593,588, G>A. VCF-style: chr1-237593588-G-A. GRCh37 (hg19) VCF-style: chr1-237756888-G-A.
Other names: c.4388G>A (NM_001035.2); short protein forms R1463H.
Identifiers: ClinVar variation 1171866 (VCV001171866.16), dbSNP rs753707154, ClinGen allele CA086602.
Genomic context (GRCh38, chr1:237,593,588, plus strand): 5'-TGGGCTGGATTACATCAGATTTCCATCAGTATGACACAGGCTTTGACTTGGACAGAGTTC[G>A]CACAGTAACAGTTACTCTAGGAGATGAAAAAGGAAAAGTGCATGAAAGGTTAGTTTTCCT-3'
Protein context (NP_001026.2, residues 1453-1473): YDTGFDLDRV[Arg1463His]TVTVTLGDEK

ClinVar aggregate classification (germline): Conflicting classifications of pathogenicity. Review status: criteria provided, conflicting classifications (1 of 4 stars). 5 submissions from 5 submitters: Uncertain significance (3); Likely benign (2). Last evaluated 2026-01-29.

Conditions:
Cardiovascular phenotype. Identifiers: MedGen CN230736.
Catecholaminergic polymorphic ventricular tachycardia (CVPT). Also called: Catecholamine-induced polymorphic ventricular tachycardia. Identifiers: Orphanet 3286, MedGen C5574922, MONDO:0017990.
Cardiomyopathy (CMYO). Also called: Cardiomyopathies. Identifiers: Orphanet 167848, MedGen C0878544, MONDO:0004994, HP:0001638. Inheritance: Various modes of inheritance.
Catecholaminergic polymorphic ventricular tachycardia 1. Also called: VENTRICULAR TACHYCARDIA, CATECHOLAMINERGIC POLYMORPHIC, 1, WITH OR WITHOUT ATRIAL DYSFUNCTION AND/OR DILATED CARDIOMYOPATHY; RYR2-Related Catecholaminergic Polymorphic Ventricular Tachycardia; VENTRICULAR TACHYCARDIA, STRESS-INDUCED POLYMORPHIC 1. Identifiers: Orphanet 3286, MedGen C1631597, MONDO:0011484, OMIM 604772.

Allele frequency attached by ClinVar (database versions not stated): TOPMed 0.00002; ExAC 0.00005.
gnomAD v4.1: 33 of 1,613,734 alleles (0.002%); highest among the groups gnomAD compares: South Asian, 0.02%; 3 homozygotes.

Submissions (5):

Labcorp Genetics (formerly Invitae), Labcorp
Classification: Likely benign for Catecholaminergic polymorphic ventricular tachycardia 1. Last evaluated: 2026-01-29. Review status: criteria provided, single submitter. Criteria: Invitae Variant Classification Sherloc (09022015). Collection method: clinical testing. Allele origin: germline.

Color Diagnostics, LLC DBA Color Health
Classification: Uncertain significance for Cardiomyopathy. Last evaluated: 2025-06-25. Review status: criteria provided, single submitter. Criteria: ACMG Guidelines, 2015. Collection method: clinical testing. Allele origin: germline.
Comment: This missense variant replaces arginine with histidine at codon 1463 of the RYR2 protein. Computational prediction suggests that this variant may not impact protein structure and function. To our knowledge, functional studies have not been reported for this variant. This variant has not been reported in individuals affected with RYR2-related disorders in the literature. This variant has been identified in 4/249016 chromosomes in the general population by the Genome Aggregation Database (gnomAD). The available evidence is insufficient to determine the role of this variant in disease conclusively. Therefore, this variant is classified as a Variant of Uncertain Significance.

Ambry Genetics
Classification: Uncertain significance for Cardiovascular phenotype. Last evaluated: 2025-02-13. Review status: criteria provided, single submitter. Criteria: Ambry Variant Classification Scheme 2023. Collection method: clinical testing. Allele origin: germline.
Comment: The p.R1463H variant (also known as c.4388G>A), located in coding exon 33 of the RYR2 gene, results from a G to A substitution at nucleotide position 4388. The arginine at codon 1463 is replaced by histidine, an amino acid with highly similar properties. This amino acid position is highly conserved in available vertebrate species. In addition, the in silico prediction for this alteration is inconclusive. Based on the available evidence, the clinical significance of this variant remains unclear.

All of Us Research Program, National Institutes of Health
Classification: Uncertain significance for Catecholaminergic polymorphic ventricular tachycardia. Last evaluated: 2024-01-11. Review status: criteria provided, single submitter. Criteria: ACMG Guidelines, 2015. Collection method: clinical testing. Allele origin: germline. Inheritance: Autosomal dominant inheritance. Observed: 6 variant alleles, 6 heterozygotes.
Comment: This missense variant replaces arginine with histidine at codon 1463 of the RYR2 protein. Computational prediction suggests that this variant may not impact protein structure and function (internally defined REVEL score threshold <= 0.5, PMID: 27666373). To our knowledge, functional studies have not been reported for this variant. This variant has not been reported in individuals affected with cardiovascular disorders in the literature. This variant has been identified in 4/249016 chromosomes in the general population by the Genome Aggregation Database (gnomAD). The available evidence is insufficient to determine the role of this variant in disease conclusively. Therefore, this variant is classified as a Variant of Uncertain Significance.

This study involves interpretation of variants in research participants for the purpose of population health screening. Participant phenotype was not available at the time of variant classification. Additional details can be found in publication PMID: 35346344, PMCID: PMC8962531

Blueprint Genetics
Classification: Likely benign. Last evaluated: 2022-03-16. Review status: criteria provided, single submitter. Criteria: ACMG Guidelines, 2015. Collection method: clinical testing. Allele origin: germline.